The following is an entry in ClinVar:

ClinVar aggregate classification (germline): Conflicting classifications of pathogenicity. Review status: criteria provided, conflicting classifications (1 of 4 stars). 2 submissions from 2 submitters: Uncertain significance (1); Likely benign (1). Last evaluated 2025-01-30.

gnomAD v4.1: 47 of 1,612,988 alleles (0.0029%); highest among the groups gnomAD compares: Admixed American, 0.017%; no homozygotes.

Submissions (2):

Women's Health and Genetics/Laboratory Corporation of America, LabCorp
Classification: Uncertain significance. Last evaluated: 2025-01-30. Review status: criteria provided, single submitter. Criteria: LabCorp Variant Classification Summary - May 2015. Collection method: clinical testing. Allele origin: germline.
Comment: Variant summary: TTN c.10360+2929G>A is located at a position not widely known to affect splicing. This variant corresponds to c.11311+2929G>A in NM_001267550, and to c.12205G>A (p.Ala4069Thr) in NM_133379. Consensus agreement among computation tools predict no significant impact on normal splicing. However, these predictions have yet to be confirmed by functional studies. The variant allele was found at a frequency of 2.9e-05 in 1606002 control chromosomes in the gnomAD database (v4.1 dataset). This frequency is not significantly higher than the maximum estimated for a pathogenic variant in TTN causing Dilated Cardiomyopathy (0.00039), allowing no conclusion about variant significance. To our knowledge, no occurrence of c.10360+2929G>A in individuals affected with Dilated Cardiomyopathy and no experimental evidence demonstrating its impact on protein function have been reported. ClinVar contains an entry for this variant (Variation ID: 3339328). Based on the evidence outlined above, the variant was classified as uncertain significance.

Blueprint Genetics
Classification: Likely benign. Last evaluated: 2024-08-13. Review status: criteria provided, single submitter. Criteria: ACMG Guidelines, 2015. Collection method: clinical testing. Allele origin: germline.

NM_001267550.2(TTN):c.11311+2929G>A

Gene: TTN (titin; minus strand). Cytogenetic location: 2q31.2.
Variant type: single nucleotide variant.
Coding change: c.11311+2929G>A on transcript NM_001267550.2 (MANE Select); 2929 bases into the intron after coding-DNA position 11311, G replaced by A.
Molecular consequence: intron variant. On other transcripts: missense variant (1).
Genome position (GRCh38, 1-based): chr2:178,750,195, C>T on the plus strand (G>A on the coding strand, the complement: TTN is on the minus strand). VCF-style: chr2-178750195-C-T. GRCh37 (hg19) VCF-style: chr2-179614922-C-T.
Other names: c.12205G>A, p.Ala4069Thr (NM_133379.5); c.10222+2929G>A (NM_003319.4); c.10798+2929G>A (NM_133437.4); c.10597+2929G>A (NM_133432.3); c.10360+2929G>A (NM_133378.4, NM_001256850.1); short protein forms A4069T.
Identifiers: ClinVar variation 3339328 (VCV003339328.4).